The following is an entry in ClinVar:

NM_001853.4(COL9A3):c.1900_1908del (p.Gln634_Gly636del)

Gene: COL9A3 (collagen type IX alpha 3 chain; plus strand). Cytogenetic location: 20q13.33.
Variant type: Deletion.
Coding change: c.1900_1908del on transcript NM_001853.4 (MANE Select); coding-DNA positions 1900 to 1908, 9 bases deleted (CAGGACGGT; older notation c.1900_1908delCAGGACGGT).
Protein change: p.Gln634_Gly636del.
Molecular consequence: inframe deletion.
Genome position (GRCh38, 1-based): chr20:62,840,577-62,840,585, CAGGACGGT deleted. VCF-style (leftmost placement, unchanged base first): chr20-62840576-CCAGGACGGT-C. GRCh37 (hg19) VCF-style: chr20-61471928-CCAGGACGGT-C.
Identifiers: ClinVar variation 2699574 (VCV002699574.3), dbSNP rs2063669314, ClinGen allele CA1019235364.

ClinVar aggregate classification (germline): Uncertain significance (1 of 4 stars; one submission).

Allele frequency attached by ClinVar (database versions not stated): TOPMed below 0.00001; gnomAD 0.00001.

Submission:

Labcorp Genetics (formerly Invitae), Labcorp
Classification: Uncertain significance. Last evaluated: 2023-12-01. Review status: criteria provided, single submitter. Criteria: Invitae Variant Classification Sherloc (09022015). Collection method: clinical testing. Allele origin: germline.
Comment: This variant, c.1900_1908del, results in the deletion of 3 amino acid(s) of the COL9A3 protein (p.Gln634_Gly636del), but otherwise preserves the integrity of the reading frame. This variant is not present in population databases (gnomAD no frequency). This variant has not been reported in the literature in individuals affected with COL9A3-related conditions. Experimental studies and prediction algorithms are not available or were not evaluated, and the functional significance of this variant is currently unknown. In summary, the available evidence is currently insufficient to determine the role of this variant in disease. Therefore, it has been classified as a Variant of Uncertain Significance.